The following is an entry in ClinVar:

NM_001348800.3(ZBTB20):c.1561C>T (p.Pro521Ser)

Gene: ZBTB20 (zinc finger and BTB domain containing 20; minus strand). Cytogenetic location: 3q13.31.
Variant type: single nucleotide variant.
Coding change: c.1561C>T on transcript NM_001348800.3 (MANE Select); coding-DNA position 1561, C replaced by T.
Protein change: p.Pro521Ser; replaces proline 521 with serine.
Molecular consequence: missense variant.
Genome position (GRCh38, 1-based): chr3:114,350,517, G>A on the plus strand (C>T on the coding strand, the complement: ZBTB20 is on the minus strand). VCF-style: chr3-114350517-G-A. GRCh37 (hg19) VCF-style: chr3-114069364-G-A.
Other names: c.1342C>T, p.Pro448Ser (NM_015642.7, NM_001164343.2, NM_001164344.4 and 9 more transcripts); c.1561C>T, p.Pro521Ser (NM_001164342.2, NM_001348803.3, NM_001393393.1 and 1 more transcripts); short protein forms P448S, P521S.
Identifiers: ClinVar variation 3633364 (VCV003633364.2).

ClinVar aggregate classification (germline): Uncertain significance (1 of 4 stars; one submission).

gnomAD v4.1: 2 of 1,614,098 alleles (0.00012%); highest among the groups gnomAD compares: Admixed American, 0.0033%; no homozygotes.

Submission:

Labcorp Genetics (formerly Invitae), Labcorp
Classification: Uncertain significance. Last evaluated: 2024-12-05. Review status: criteria provided, single submitter. Criteria: Invitae Variant Classification Sherloc (09022015). Collection method: clinical testing. Allele origin: germline.
Comment: This sequence change replaces proline, which is neutral and non-polar, with serine, which is neutral and polar, at codon 521 of the ZBTB20 protein (p.Pro521Ser). This variant is present in population databases (no rsID available, gnomAD 0.006%). This variant has not been reported in the literature in individuals affected with ZBTB20-related conditions. Invitae Evidence Modeling of protein sequence and biophysical properties (such as structural, functional, and spatial information, amino acid conservation, physicochemical variation, residue mobility, and thermodynamic stability) indicates that this missense variant is not expected to disrupt ZBTB20 protein function with a negative predictive value of 95%. In summary, the available evidence is currently insufficient to determine the role of this variant in disease. Therefore, it has been classified as a Variant of Uncertain Significance.